The following is an entry in ClinVar:

NM_023110.3(FGFR1):c.2446A>C (p.Asn816His)

Gene: FGFR1 (fibroblast growth factor receptor 1; minus strand). Cytogenetic location: 8p11.23.
Variant type: single nucleotide variant.
Coding change: c.2446A>C on transcript NM_023110.3 (MANE Select); coding-DNA position 2446, A replaced by C.
Protein change: p.Asn816His; replaces asparagine 816 with histidine.
Molecular consequence: missense variant. On other transcripts: intron variant (3).
Genome position (GRCh38, 1-based): chr8:38,413,651, T>G on the plus strand (A>C on the coding strand, the complement: FGFR1 is on the minus strand). VCF-style: chr8-38413651-T-G. GRCh37 (hg19) VCF-style: chr8-38271169-T-G.
Other names: c.2440A>C, p.Asn814His (NM_001174063.2, NM_001174065.2, NM_015850.4); c.2416A>C, p.Asn806His (NM_001174064.2); c.2179A>C, p.Asn727His (NM_001174066.2, NM_023105.3); c.2539A>C, p.Asn847His (NM_001174067.2); c.2167A>C, p.Asn723His (NM_001354368.2); c.2434A>C, p.Asn812His (NM_001410922.1); c.2173A>C, p.Asn725His (NM_023106.3); c.2019+267A>C (NM_001354370.2); and 2 more; short protein forms N725H, N806H, N727H, N847H, N814H, N723H, N812H, N816H.
Identifiers: ClinVar variation 3393666 (VCV003393666.1).

ClinVar aggregate classification (germline): Uncertain significance (1 of 4 stars; one submission).

Submission:

GeneDx
Classification: Uncertain significance. Last evaluated: 2024-07-02. Review status: criteria provided, single submitter. Criteria: GeneDx Variant Classification Process June 2021. Collection method: clinical testing. Allele origin: germline. Affected: yes.
Comment: Not observed at significant frequency in large population cohorts (gnomAD); In silico analysis indicates that this missense variant does not alter protein structure/function; Has not been previously published as pathogenic or benign to our knowledge